The following is an entry in ClinVar:

NM_006265.3(RAD21):c.1706G>A (p.Arg569His)

Gene: RAD21 (RAD21 cohesin complex component; minus strand). Cytogenetic location: 8q24.11.
Variant type: single nucleotide variant.
Coding change: c.1706G>A on transcript NM_006265.3 (MANE Select); coding-DNA position 1706, G replaced by A.
Protein change: p.Arg569His; replaces arginine 569 with histidine.
Molecular consequence: missense variant.
Genome position (GRCh38, 1-based): chr8:116,847,690, C>T on the plus strand (G>A on the coding strand, the complement: RAD21 is on the minus strand). VCF-style: chr8-116847690-C-T. GRCh37 (hg19) VCF-style: chr8-117859929-C-T.
Other names: short protein forms R569H.
Identifiers: ClinVar variation 1778455 (VCV001778455.4), dbSNP rs767839436, ClinGen allele CA4852695.
Genomic context (GRCh38, chr8:116,847,690, plus strand): 5'-TTCGTATTTCGACATAACTCAAGCAAACTGATAGATTCAGCTCCAGTTTTAGCAAGAGCA[C>T]GCTGAAATAAAACCAAAAAAGGGTAACTTAATCTGTATAATAAAGTAGTAATTCAGTGAG-3'
Protein context (NP_006256.1, residues 559-579): RTQQMLHGLQ[Arg569His]ALAKTGAESI

ClinVar aggregate classification (germline): Uncertain significance. Review status: criteria provided, multiple submitters, no conflicts (2 of 4 stars). 2 submissions from 2 submitters: Uncertain significance (2). Last evaluated 2024-03-12.

Conditions:
Cornelia de Lange syndrome 4 (CDLS4). Also called: RAD21-Related Cornelia de Lange Syndrome; CORNELIA DE LANGE SYNDROME 4 WITH OR WITHOUT MIDLINE BRAIN DEFECTS. Identifiers: Orphanet 199, MedGen C3553517, MONDO:0013864, OMIM 614701.
Inborn genetic diseases. Identifiers: MedGen C0950123, MeSH D030342.

Allele frequency attached by ClinVar (database versions not stated): gnomAD 0.00002; TOPMed 0.00003.
gnomAD v4.1: 12 of 1,609,748 alleles (0.00075%); highest among the groups gnomAD compares: East Asian, 0.0045%; no homozygotes.

Submissions (2):

Labcorp Genetics (formerly Invitae), Labcorp
Classification: Uncertain significance for Cornelia de Lange syndrome 4. Last evaluated: 2024-03-12. Review status: criteria provided, single submitter. Criteria: Invitae Variant Classification Sherloc (09022015). Collection method: clinical testing. Allele origin: germline.
Comment: This sequence change replaces arginine, which is basic and polar, with histidine, which is basic and polar, at codon 569 of the RAD21 protein (p.Arg569His). This variant is present in population databases (rs767839436, gnomAD 0.01%). This variant has not been reported in the literature in individuals affected with RAD21-related conditions. ClinVar contains an entry for this variant (Variation ID: 1778455). An algorithm developed to predict the effect of missense changes on protein structure and function (PolyPhen-2) suggests that this variant is likely to be disruptive. In summary, the available evidence is currently insufficient to determine the role of this variant in disease. Therefore, it has been classified as a Variant of Uncertain Significance.

Ambry Genetics
Classification: Uncertain significance for Inborn genetic diseases. Last evaluated: 2019-05-30. Review status: criteria provided, single submitter. Criteria: Ambry Variant Classification Scheme 2023. Collection method: clinical testing. Allele origin: germline.
Comment: The p.R569H variant (also known as c.1706G>A), located in coding exon 13 of the RAD21 gene, results from a G to A substitution at nucleotide position 1706. The arginine at codon 569 is replaced by histidine, an amino acid with highly similar properties. This amino acid position is highly conserved in available vertebrate species. In addition, the in silico prediction for this alteration is inconclusive. Since supporting evidence is limited at this time, the clinical significance of this alteration remains unclear.